The following is an entry in ClinVar:

NM_025193.4(HSD3B7):c.631C>T (p.Arg211Cys)

Gene: HSD3B7 (hydroxy-delta-5-steroid dehydrogenase, 3 beta- and steroid delta-isomerase 7; plus strand). Cytogenetic location: 16p11.2.
Variant type: single nucleotide variant.
Coding change: c.631C>T on transcript NM_025193.4 (MANE Select); coding-DNA position 631, C replaced by T.
Protein change: p.Arg211Cys; replaces arginine 211 with cysteine.
Molecular consequence: missense variant. On other transcripts: intron variant (2).
Genome position (GRCh38, 1-based): chr16:30,986,939, C>T. VCF-style: chr16-30986939-C-T. GRCh37 (hg19) VCF-style: chr16-30998260-C-T.
Other names: c.531+235C>T (NM_001142777.2, NM_001142778.2); short protein forms R211C.
Identifiers: ClinVar variation 4887273 (VCV004887273.1).

ClinVar aggregate classification (germline): Uncertain significance (1 of 4 stars; one submission).

Submission:

Women's Health and Genetics/Laboratory Corporation of America, LabCorp
Classification: Uncertain significance. Last evaluated: 2026-06-29. Review status: criteria provided, single submitter. Criteria: LabCorp Variant Classification Summary - May 2015. Collection method: clinical testing. Allele origin: germline.
Comment: Variant summary: HSD3B7 c.631C>T (p.Arg211Cys) results in a non-conservative amino acid change in the encoded protein sequence. Algorithms developed to predict the effect of missense changes on protein structure and function all suggest that this variant is likely to be disruptive. The variant allele was found at a frequency of 6.8e-05 in 250526 control chromosomes. This frequency is not significantly higher than estimated for disease-causing variants in HSD3B7, allowing no conclusion about variant significance. To our knowledge, no occurrence of c.631C>T in individuals affected with HSD3B7-related conditions and no experimental evidence demonstrating its impact on protein function have been reported. No submitters have cited clinical-significance assessments for this variant to ClinVar. Based on the evidence outlined above, the variant was classified as uncertain significance.